The following is an entry in ClinVar:

ClinVar aggregate classification (germline): Conflicting classifications of pathogenicity. Review status: criteria provided, conflicting classifications (1 of 4 stars). 3 submissions from 3 submitters: Likely pathogenic (1); Uncertain significance (2). Last evaluated 2026-02-20.

Conditions:
NDP-related disorder. Also called: NDP-related condition.

Submissions (3):

Dasa
Classification: Likely pathogenic. Last evaluated: 2026-02-20. Review status: criteria provided, single submitter. Criteria: DASA Assertion Criteria. Collection method: clinical testing. Allele origin: germline.
Comment: NM_000266.4(NDP):c.113G>A (p.Arg38His) is a missense variant that results in the substitution of arginine with histidine. The affected residue or protein region has prior evidence supporting clinical relevance. This variant is rare in population databases. Computational evidence supports a deleterious effect. Based on the currently available evidence, this variant is classified as likely pathogenic.

PreventionGenetics, part of Exact Sciences
Classification: Uncertain significance for NDP-related condition. Last evaluated: 2026-02-15. Review status: criteria provided, single submitter. Criteria: ACMG Guidelines, 2015. Collection method: clinical testing. Allele origin: germline.
Comment: The NDP c.113G>A variant is predicted to result in the amino acid substitution p.Arg38His. To our knowledge, this variant has not been reported in the literature or in a large population database (gnomAD), indicating this variant is rare. At this time, the clinical significance of this variant is uncertain due to the absence of conclusive functional and genetic evidence.

Labcorp Genetics (formerly Invitae), Labcorp
Classification: Uncertain significance. Last evaluated: 2021-09-15. Review status: criteria provided, single submitter. Criteria: Invitae Variant Classification Sherloc (09022015). Collection method: clinical testing. Allele origin: germline.
Comment: In summary, the available evidence is currently insufficient to determine the role of this variant in disease. Therefore, it has been classified as a Variant of Uncertain Significance. Algorithms developed to predict the effect of missense changes on protein structure and function are either unavailable or do not agree on the potential impact of this missense change (SIFT: "Deleterious"; PolyPhen-2: "Possibly Damaging"; Align-GVGD: "Class C0"). This variant has not been reported in the literature in individuals affected with NDP-related conditions. This variant is not present in population databases (ExAC no frequency). This sequence change replaces arginine with histidine at codon 38 of the NDP protein (p.Arg38His). The arginine residue is highly conserved and there is a small physicochemical difference between arginine and histidine.

NM_000266.4(NDP):c.113G>A (p.Arg38His)

Genes: NDP (norrin cystine knot growth factor NDP; minus strand), NDP-AS1 (NDP antisense RNA 1; plus strand). Cytogenetic location: Xp11.3.
Variant type: single nucleotide variant.
Coding change: c.113G>A on transcript NM_000266.4 (MANE Select); coding-DNA position 113, G replaced by A.
Protein change: p.Arg38His; replaces arginine 38 with histidine.
Molecular consequence: missense variant.
Genome position (GRCh38, 1-based): chrX:43,958,533, C>T on the plus strand (G>A on the coding strand, the complement: NDP is on the minus strand). VCF-style: chrX-43958533-C-T. GRCh37 (hg19) VCF-style: chrX-43817779-C-T.
Other names: c.113G>A (NM_000266.3); short protein forms R38H.
Identifiers: ClinVar variation 1486323 (VCV001486323.9), dbSNP rs2147209194, ClinGen allele CA413009085.
Genomic context (GRCh38, chrX:43,958,533, plus strand): 5'-TTTGAGCTACACTTGTACAATGGGTGACTGATAGAATCCACATAGTGGTGCCTCATGCAG[C>T]GTCGAGGGTCCGAGTCCATTATGAATGAGCTGTCCGTTTTACTGTCTGTATCTCCCATTA-3'
Protein context (NP_000257.1, residues 28-48): SSFIMDSDPR[Arg38His]CMRHHYVDSI